The following is an entry in ClinVar:

ClinVar aggregate classification (germline): Likely benign (0 of 4 stars; one submission).

Conditions:
INPP5E-related disorder. Also called: INPP5E-related condition.

gnomAD v4.1: 5 of 1,541,716 alleles (0.00032%); highest among the groups gnomAD compares: Non-Finnish European, 0.00035%; no homozygotes.

Submission:

PreventionGenetics, part of Exact Sciences
Classification: Likely benign for INPP5E-related condition. Last evaluated: 2023-12-14. Review status: no assertion criteria provided. Collection method: clinical testing. Allele origin: germline.
Comment: This variant is classified as likely benign based on ACMG/AMP sequence variant interpretation guidelines (Richards et al. 2015 PMID: 25741868, with internal and published modifications).

NM_019892.6(INPP5E):c.222C>T (p.Pro74=)

Gene: INPP5E (inositol polyphosphate-5-phosphatase E; minus strand). Cytogenetic location: 9q34.3.
Variant type: single nucleotide variant.
Coding change: c.222C>T on transcript NM_019892.6 (MANE Select); coding-DNA position 222, C replaced by T.
Protein change: p.Pro74=; no amino-acid change (proline 74 retained).
Molecular consequence: synonymous variant.
Genome position (GRCh38, 1-based): chr9:136,439,198, G>A on the plus strand (C>T on the coding strand, the complement: INPP5E is on the minus strand). VCF-style: chr9-136439198-G-A. GRCh37 (hg19) VCF-style: chr9-139333650-G-A.
Other names: c.222C>T, p.Pro74= (NM_001318502.2).
Identifiers: ClinVar variation 3353665 (VCV003353665.1).